The following is an entry in ClinVar:

ClinVar aggregate classification (germline): Pathogenic (1 of 4 stars; one submission).

Conditions:
Autosomal recessive nonsyndromic hearing loss 77. Identifiers: Orphanet 90636, MedGen C2746083, MONDO:0013119, OMIM 613079.

Submission:

Myriad Genetics, Inc.
Classification: Pathogenic for Autosomal recessive nonsyndromic hearing loss 77. Last evaluated: 2024-05-14. Review status: criteria provided, single submitter. Criteria: Myriad Autosomal Dominant, Autosomal Recessive and X-Linked Classification Criteria (2023). Collection method: clinical testing. Allele origin: unknown.
Comment: NM_144612.6(LOXHD1):c.5619_5620ins13(D1874Hfs*11) is expected to be pathogenic in the context of nonsyndromic hearing loss, LOXHD1-related. This variant is predicted to lead to an abnormal or absent protein product due to the creation of a premature termination codon in LOXHD1, a gene where loss-of-function variants are known to be pathogenic. Please note: this variant was assessed in the context of healthy population screening.

NM_001384474.1(LOXHD1):c.5805_5806insCACTCAGCAGCAC (p.Asp1936fs)

Gene: LOXHD1 (lipoxygenase homology PLAT domains 1; minus strand). Cytogenetic location: 18q21.1.
Variant type: Insertion.
Coding change: c.5805_5806insCACTCAGCAGCAC on transcript NM_001384474.1 (MANE Select); coding-DNA positions 5805 to 5806, CACTCAGCAGCAC inserted.
Protein change: p.Asp1936fs; shifts the reading frame from aspartic acid 1936.
Molecular consequence: frameshift variant.
Genome position: GRCh38 VCF-style: chr18-46505910-C-CGTGCTGCTGAGTG. GRCh37 (hg19) VCF-style: chr18-44085873-C-CGTGCTGCTGAGTG.
Other names: c.2472_2473insCACTCAGCAGCAC, p.Asp825fs (NM_001145472.3); c.522_523insCACTCAGCAGCAC, p.Asp175fs (NM_001145473.3, NM_001173129.2); c.2184_2185insCACTCAGCAGCAC, p.Asp729fs (NM_001308013.2); c.5619_5620insCACTCAGCAGCAC, p.Asp1874fs (NM_144612.7); short protein forms D175fs, D1874fs, D1936fs, D729fs, D825fs.
Identifiers: ClinVar variation 5010907 (VCV005010907.1).